The following is an entry in ClinVar:

NM_000051.4(ATM):c.6728A>C (p.Gln2243Pro)

Genes: C11orf65 (chromosome 11 open reading frame 65; minus strand), ATM (ATM serine/threonine kinase; plus strand). Cytogenetic location: 11q22.3.
Variant type: single nucleotide variant.
Coding change: c.6728A>C on transcript NM_000051.4 (MANE Select); coding-DNA position 6728, A replaced by C.
Protein change: p.Gln2243Pro; replaces glutamine 2243 with proline.
Molecular consequence: missense variant. On other transcripts: intron variant (2).
Genome position (GRCh38, 1-based): chr11:108,325,465, A>C. VCF-style: chr11-108325465-A-C. GRCh37 (hg19) VCF-style: chr11-108196192-A-C.
Other names: c.6728A>C, p.Gln2243Pro (NM_001351834.2); c.641-16394T>G (NM_001330368.2); c.*38+9755T>G (NM_001351110.2); short protein forms Q2243P.
Identifiers: ClinVar variation 629318 (VCV000629318.11), dbSNP rs1565518723, ClinGen allele CA382555113.

ClinVar aggregate classification (germline): Uncertain significance. Review status: criteria provided, multiple submitters, no conflicts (2 of 4 stars). 3 submissions from 3 submitters: Uncertain significance (3). Last evaluated 2024-01-17.

Conditions:
Ataxia-telangiectasia syndrome (AT). Also called: Ataxia-telangiectasia, complementation group D; AT, COMPLEMENTATION GROUP C; ATAXIA-TELANGIECTASIA, COMPLEMENTATION GROUP A; ATAXIA-TELANGIECTASIA, FRESNO VARIANT; Ataxia-telangiectasia; LOUIS-BAR SYNDROME. Identifiers: Orphanet 100, MedGen C0004135, MONDO:0008840, OMIM 208900.
Hereditary cancer-predisposing syndrome. Also called: Tumor predisposition; Hereditary neoplastic syndrome; Neoplastic Syndromes, Hereditary; Hereditary Cancer Syndrome. Identifiers: Orphanet 140162, MedGen C0027672, MeSH D009386, MONDO:0015356.

Allele frequency attached by ClinVar (database versions not stated): gnomAD 0.00001 and below 0.00001.
gnomAD v4.1: 1 of 1,613,698 alleles (0.000062%); highest among the groups gnomAD compares: South Asian, 0.0011%; no homozygotes.

Submissions (3):

Labcorp Genetics (formerly Invitae), Labcorp
Classification: Uncertain significance for Ataxia-telangiectasia syndrome. Last evaluated: 2024-01-17. Review status: criteria provided, single submitter. Criteria: Invitae Variant Classification Sherloc (09022015). Collection method: clinical testing. Allele origin: germline.
Comment: This sequence change replaces glutamine, which is neutral and polar, with proline, which is neutral and non-polar, at codon 2243 of the ATM protein (p.Gln2243Pro). This variant is not present in population databases (gnomAD no frequency). This variant has not been reported in the literature in individuals affected with ATM-related conditions. ClinVar contains an entry for this variant (Variation ID: 629318). An algorithm developed to predict the effect of missense changes on protein structure and function (PolyPhen-2) suggests that this variant is likely to be tolerated. In summary, the available evidence is currently insufficient to determine the role of this variant in disease. Therefore, it has been classified as a Variant of Uncertain Significance.

Color Diagnostics, LLC DBA Color Health
Classification: Uncertain significance for Hereditary cancer-predisposing syndrome. Last evaluated: 2023-12-04. Review status: criteria provided, single submitter. Criteria: ACMG Guidelines, 2015. Collection method: clinical testing. Allele origin: germline.
Comment: This missense variant replaces glutamine with proline at codon 2243 of the ATM protein. Computational prediction suggests that this variant may not impact protein structure and function (internally defined REVEL score threshold <= 0.5, PMID: 27666373). To our knowledge, functional studies have not been reported for this variant. This variant has not been reported in individuals affected with ATM-related disorders in the literature. This variant has not been identified in the general population by the Genome Aggregation Database (gnomAD). The available evidence is insufficient to determine the role of this variant in disease conclusively. Therefore, this variant is classified as a Variant of Uncertain Significance.

Ambry Genetics
Classification: Uncertain significance for Hereditary cancer-predisposing syndrome. Last evaluated: 2023-06-24. Review status: criteria provided, single submitter. Criteria: Ambry Variant Classification Scheme 2023. Collection method: clinical testing. Allele origin: germline.
Comment: The p.Q2243P variant (also known as c.6728A>C), located in coding exon 45 of the ATM gene, results from an A to C substitution at nucleotide position 6728. The glutamine at codon 2243 is replaced by proline, an amino acid with similar properties. This amino acid position is conserved. In addition, this alteration is predicted to be tolerated by in silico analysis. Since supporting evidence is limited at this time, the clinical significance of this alteration remains unclear.